The following is an entry in ClinVar:

ClinVar aggregate classification (germline): Uncertain significance (1 of 4 stars; one submission).

Allele frequency attached by ClinVar (database versions not stated): gnomAD 0.00001; gnomAD exomes 0.00001; TOPMed 0.00001.
gnomAD v4.1: 9 of 1,614,042 alleles (0.00056%); highest among the groups gnomAD compares: East Asian, 0.0022%; no homozygotes.

Submission:

Labcorp Genetics (formerly Invitae), Labcorp
Classification: Uncertain significance. Last evaluated: 2025-10-11. Review status: criteria provided, single submitter. Criteria: Invitae Variant Classification Sherloc (09022015). Collection method: clinical testing. Allele origin: germline.
Comment: This sequence change replaces arginine, which is basic and polar, with cysteine, which is neutral and slightly polar, at codon 148 of the LRRC8A protein (p.Arg148Cys). The frequency data for this variant in the population databases is considered unreliable, as metrics indicate poor data quality at this position in the gnomAD database. This variant has not been reported in the literature in individuals affected with LRRC8A-related conditions. ClinVar contains an entry for this variant (Variation ID: 1952737). An algorithm developed to predict the effect of missense changes on protein structure and function (PolyPhen-2) suggests that this variant is likely to be disruptive. In summary, the available evidence is currently insufficient to determine the role of this variant in disease. Therefore, it has been classified as a Variant of Uncertain Significance.

NM_019594.4(LRRC8A):c.442C>T (p.Arg148Cys)

Gene: LRRC8A (leucine rich repeat containing 8 VRAC subunit A; plus strand). Cytogenetic location: 9q34.11.
Variant type: single nucleotide variant.
Coding change: c.442C>T on transcript NM_019594.4 (MANE Select); coding-DNA position 442, C replaced by T.
Protein change: p.Arg148Cys; replaces arginine 148 with cysteine.
Molecular consequence: missense variant.
Genome position (GRCh38, 1-based): chr9:128,907,606, C>T. VCF-style: chr9-128907606-C-T. GRCh37 (hg19) VCF-style: chr9-131669885-C-T.
Other names: c.442C>T, p.Arg148Cys (NM_001127244.2, NM_001127245.2); short protein forms R148C.
Identifiers: ClinVar variation 1952737 (VCV001952737.5), dbSNP rs911359511, ClinGen allele CA200414746.